The following is an entry in ClinVar:

ClinVar aggregate classification (germline): Uncertain significance (1 of 4 stars; one submission).

Conditions:
Alstrom syndrome (ALMS). Identifiers: Orphanet 64, MedGen C0268425, MONDO:0008763, OMIM 203800.

gnomAD v4.1: 4 of 1,613,886 alleles (0.00025%); highest among the groups gnomAD compares: Non-Finnish European, 0.00034%; no homozygotes.

Submission:

Labcorp Genetics (formerly Invitae), Labcorp
Classification: Uncertain significance for Alstrom syndrome. Last evaluated: 2025-11-13. Review status: criteria provided, single submitter. Criteria: Invitae Variant Classification Sherloc (09022015). Collection method: clinical testing. Allele origin: germline.
Comment: This sequence change replaces glutamine, which is neutral and polar, with glutamic acid, which is acidic and polar, at codon 1181 of the ALMS1 protein (p.Gln1181Glu). This variant is not present in population databases (gnomAD no frequency). This variant has not been reported in the literature in individuals affected with ALMS1-related conditions. Experimental studies and prediction algorithms are not available or were not evaluated, and the functional significance of this variant is currently unknown. In summary, the available evidence is currently insufficient to determine the role of this variant in disease. Therefore, it has been classified as a Variant of Uncertain Significance.

NM_001378454.1(ALMS1):c.3538C>G (p.Gln1180Glu)

Gene: ALMS1 (ALMS1 centrosome and basal body associated protein; plus strand). Cytogenetic location: 2p13.1.
Variant type: single nucleotide variant.
Coding change: c.3538C>G on transcript NM_001378454.1 (MANE Select); coding-DNA position 3538, C replaced by G.
Protein change: p.Gln1180Glu; replaces glutamine 1180 with glutamic acid.
Molecular consequence: missense variant.
Genome position (GRCh38, 1-based): chr2:73,450,065, C>G. VCF-style: chr2-73450065-C-G. GRCh37 (hg19) VCF-style: chr2-73677192-C-G.
Other names: c.3541C>G, p.Gln1181Glu (NM_015120.4); short protein forms Q1180E, Q1181E.
Identifiers: ClinVar variation 4749369 (VCV004749369.1).